The following is an entry in ClinVar:

ClinVar aggregate classification (germline): Pathogenic (1 of 4 stars; one submission).

Conditions:
Immunodeficiency, common variable, 7. Identifiers: Orphanet 1572, Orphanet 696894, MedGen C3542922, MONDO:0013862, OMIM 614699.

Submission:

Labcorp Genetics (formerly Invitae), Labcorp
Classification: Pathogenic for Immunodeficiency, common variable, 7. Last evaluated: 2023-08-28. Review status: criteria provided, single submitter. Criteria: Invitae Variant Classification Sherloc (09022015). Collection method: clinical testing. Allele origin: germline.
Comment: This sequence change creates a premature translational stop signal (p.Phe486Leufs*16) in the CR2 gene. It is expected to result in an absent or disrupted protein product. Loss-of-function variants in CR2 are known to be pathogenic (PMID: 26325596, 28499783). This variant is not present in population databases (gnomAD no frequency). This variant has not been reported in the literature in individuals affected with CR2-related conditions. For these reasons, this variant has been classified as Pathogenic.

Literature cited by the submitters: PubMed 26325596; PubMed 28499783.

NM_001006658.3(CR2):c.1458del (p.Phe486fs)

Gene: CR2 (complement C3d receptor 2; plus strand). Cytogenetic location: 1q32.2.
Variant type: Deletion.
Coding change: c.1458del on transcript NM_001006658.3 (MANE Select); coding-DNA position 1458, one base deleted (T; older notation c.1458delT).
Protein change: p.Phe486fs; shifts the reading frame from phenylalanine 486.
Molecular consequence: frameshift variant.
Genome position (GRCh38, 1-based): chr1:207,471,052, T deleted; the last of 3 consecutive T bases (chr1:207,471,050-207,471,052); deleting any one gives the same sequence. VCF-style (leftmost placement, unchanged base first): chr1-207471049-AT-A. GRCh37 (hg19) VCF-style: chr1-207644394-AT-A.
Other names: c.1458del, p.Phe486fs (NM_001877.5); short protein forms F486fs.
Identifiers: ClinVar variation 2756144 (VCV002756144.3), dbSNP rs2527218073, ClinGen allele CA2697554855.